The following is an entry in ClinVar:

ClinVar aggregate classification (germline): Pathogenic. Review status: criteria provided, multiple submitters, no conflicts (2 of 4 stars). 4 submissions from 4 submitters: Pathogenic (4). Last evaluated 2026-10-02.

Conditions:
Cornelia de Lange syndrome 1 (CDLS1). Also called: TYPUS DEGENERATIVUS AMSTELODAMENSIS; Brachmann de Lange syndrome; NIPBL-Related Cornelia de Lange Syndrome. Identifiers: Orphanet 199, MedGen C4551851, MONDO:0007387, OMIM 122470.

Submissions (4):

GeneDx
Classification: Pathogenic. Last evaluated: 2026-10-02. Review status: criteria provided, single submitter. Criteria: GeneDx Variant Classification Process June 2021. Collection method: clinical testing. Allele origin: germline.
Comment: Nonsense variant predicted to result in protein truncation or nonsense mediated decay in a gene for which loss of function is a known mechanism of disease; Not observed at significant frequency in large population cohorts (gnomAD); This variant is associated with the following publications: (PMID: 25525159, 16236812, 39917313)

Genome-Nilou Lab
Classification: Pathogenic for Cornelia de Lange syndrome 1. Last evaluated: 2021-07-15. Review status: criteria provided, single submitter. Criteria: ACMG Guidelines, 2015. Collection method: clinical testing. Allele origin: germline. Affected: no.

Genetic Services Laboratory, University of Chicago
Classification: Pathogenic for Cornelia de Lange syndrome 1. Last evaluated: 2013-02-08. Review status: criteria provided, single submitter. Criteria: ACMG Guidelines, 2007. Collection method: clinical testing. Allele origin: germline. Inheritance: Autosomal dominant inheritance. Affected: yes.

Juno Genomics, Hangzhou Juno Genomics, Inc
Classification: Pathogenic for Cornelia de Lange syndrome 1. Review status: criteria provided, single submitter. Criteria: ACMG Guidelines, 2015. Collection method: clinical testing. Allele origin: germline. Affected: yes.
Comment: Absent from controls (or at extremely low frequency if recessive) in Genome Aggregation Database.;Null variant in a gene where loss of function (LOF) is a known mechanism of disease.;The prevalence of the variant in affected individuals is significantly increased compared to the prevalence in controls.;De novo (both maternity and paternity confirmed) in a patient with the disease and no family history.;Patient's phenotype or family history is highly specific for a disease with a single genetic etiology.

NM_133433.4(NIPBL):c.2500C>T (p.Arg834Ter)

Gene: NIPBL (NIPBL cohesin loading factor; plus strand). Cytogenetic location: 5p13.2.
Variant type: single nucleotide variant.
Coding change: c.2500C>T on transcript NM_133433.4 (MANE Select); coding-DNA position 2500, C replaced by T.
Protein change: p.Arg834Ter; replaces arginine 834 with a stop codon.
Molecular consequence: nonsense.
Genome position (GRCh38, 1-based): chr5:36,985,680, C>T. VCF-style: chr5-36985680-C-T. GRCh37 (hg19) VCF-style: chr5-36985782-C-T.
Other names: c.2500C>T, p.Arg834Ter (NM_015384.5); short protein forms R834*.
Identifiers: ClinVar variation 159059 (VCV000159059.10), dbSNP rs587783907, ClinGen allele CA272024.